The following is an entry in ClinVar:

NM_024996.7(GFM1):c.1343A>G (p.Asp448Gly)

Gene: GFM1 (G elongation factor mitochondrial 1; plus strand). Cytogenetic location: 3q25.32.
Variant type: single nucleotide variant.
Coding change: c.1343A>G on transcript NM_024996.7 (MANE Select); coding-DNA position 1343, A replaced by G.
Protein change: p.Asp448Gly; replaces aspartic acid 448 with glycine.
Molecular consequence: missense variant. On other transcripts: non-coding transcript variant (4).
Genome position (GRCh38, 1-based): chr3:158,662,647, A>G. VCF-style: chr3-158662647-A-G. GRCh37 (hg19) VCF-style: chr3-158380436-A-G.
Other names: c.1400A>G, p.Asp467Gly (NM_001308164.2); c.1343A>G, p.Asp448Gly (NM_001308166.2); c.1262A>G, p.Asp421Gly (NM_001374355.1); c.1226A>G, p.Asp409Gly (NM_001374356.1); c.1118A>G, p.Asp373Gly (NM_001374357.1); c.884A>G, p.Asp295Gly (NM_001374358.1); c.776A>G, p.Asp259Gly (NM_001374359.1, NM_001374360.1); c.659A>G, p.Asp220Gly (NM_001374361.1); and 1 more; short protein forms D448G, D467G, D220G, D259G, D295G, D373G, D409G, D421G.
Identifiers: ClinVar variation 343932 (VCV000343932.41), dbSNP rs146951325, ClinGen allele CA2682618.

ClinVar aggregate classification (germline): Conflicting classifications of pathogenicity. Review status: criteria provided, conflicting classifications (1 of 4 stars). 5 submissions from 5 submitters: Uncertain significance (1); Likely benign (3). 1 of the submissions does not count toward it. Last evaluated 2026-01-25.

Conditions:
Hepatoencephalopathy due to combined oxidative phosphorylation defect type 1. Also called: HEPATOENCEPHALOPATHY, EARLY FATAL PROGRESSIVE. Identifiers: Orphanet 137681, MedGen C1836797, MONDO:0012191, OMIM 609060.
GFM1-related disorder. Also called: GFM1-related condition.

Allele frequency attached by ClinVar (database versions not stated): ExAC 0.00042; gnomAD 0.00080; 1000 Genomes Project 0.00100; 1000 Genomes Project 30x 0.00125; TOPMed 0.00135; ESP Exome Variant Server 0.00138.
gnomAD v4.1: 341 of 1,599,468 alleles (0.021%); highest among the groups gnomAD compares: African/African-American, 0.38%; 1 homozygote.

Submissions (5):

Labcorp Genetics (formerly Invitae), Labcorp
Classification: Likely benign. Last evaluated: 2026-01-25. Review status: criteria provided, single submitter. Criteria: Invitae Variant Classification Sherloc (09022015). Collection method: clinical testing. Allele origin: germline.

CeGaT Center for Human Genetics Tuebingen
Classification: Likely benign. Last evaluated: 2022-09-01. Review status: criteria provided, single submitter. Criteria: CeGaT Center For Human Genetics Tuebingen Variant Classification Criteria Version 2. Collection method: clinical testing. Allele origin: germline. Affected: yes. Observed: 1 variant allele.
Comment: GFM1: BP4

Department of Pathology and Laboratory Medicine, Sinai Health System
Classification: Uncertain significance for Hepatoencephalopathy due to combined oxidative phosphorylation defect type 1. Last evaluated: 2021-07-30. Review status: criteria provided, single submitter. Criteria: ACMG Guidelines, 2015. Collection method: research. Allele origin: germline.

Illumina Laboratory Services, Illumina
Classification: Likely benign for Hepatoencephalopathy due to combined oxidative phosphorylation defect type 1. Last evaluated: 2018-01-12. Review status: criteria provided, single submitter. Criteria: ICSL Variant Classification Criteria 13 December 2019. Collection method: clinical testing. Allele origin: germline.
Comment: This variant was observed in the ICSL laboratory as part of a predisposition screen in an ostensibly healthy population. It had not been previously curated by ICSL or reported in the Human Gene Mutation Database (HGMD: prior to June 1st, 2018), and was therefore a candidate for classification through an automated scoring system. Utilizing variant allele frequency, disease prevalence and penetrance estimates, and inheritance mode, an automated score was calculated to assess if this variant is too frequent to cause the disease. Based on the score and internal cut-off values, a variant classified as likely benign is not then subjected to further curation. The score for this variant resulted in a classification of likely benign for this disease.

PreventionGenetics, part of Exact Sciences
Classification: Likely benign for GFM1-related condition. Last evaluated: 2023-10-27. Review status: no assertion criteria provided. Collection method: clinical testing. Allele origin: germline. Not counted in ClinVar's aggregate classification.
Comment: This variant is classified as likely benign based on ACMG/AMP sequence variant interpretation guidelines (Richards et al. 2015 PMID: 25741868, with internal and published modifications).